The following is an entry in ClinVar:

NC_000005.10:g.112707487C>G

Genes: APC (APC regulator of Wnt signaling pathway; plus strand), LOC129994371 (ATAC-STARR-seq lymphoblastoid active region 22910; plus strand). Cytogenetic location: 5q22.2.
Variant type: single nucleotide variant.
Genome position: GRCh38 VCF-style: chr5-112707487-C-G. GRCh37 (hg19) VCF-style: chr5-112043184-C-G.
Identifiers: ClinVar variation 1041055 (VCV001041055.8), dbSNP rs1750567665, ClinGen allele CA1573442357.

ClinVar aggregate classification (germline): Uncertain significance (1 of 4 stars; one submission).

Conditions:
Familial adenomatous polyposis 1 (FAP1). Also called: FAMILIAL ADENOMATOUS POLYPOSIS 1, ATTENUATED; POLYPOSIS, ADENOMATOUS INTESTINAL. Identifiers: MedGen C2713442, MONDO:0021056, OMIM 175100. Disease mechanism: loss of function.

Allele frequency attached by ClinVar (database versions not stated): TOPMed below 0.00001.

Submission:

Labcorp Genetics (formerly Invitae), Labcorp
Classification: Uncertain significance for Familial adenomatous polyposis 1. Last evaluated: 2025-07-30. Review status: criteria provided, single submitter. Criteria: Invitae Variant Classification Sherloc (09022015). Collection method: clinical testing. Allele origin: germline.
Comment: This variant occurs in a non-coding region of the APC gene. It does not change the encoded amino acid sequence of the APC protein. This variant is not present in population databases (gnomAD no frequency). This variant has not been reported in the literature in individuals affected with APC-related conditions. Experimental studies and prediction algorithms are not available or were not evaluated, and the functional significance of this variant is currently unknown. In summary, the available evidence is currently insufficient to determine the role of this variant in disease. Therefore, it has been classified as a Variant of Uncertain Significance.